The following is an entry in ClinVar:

ClinVar aggregate classification (germline): Uncertain significance (1 of 4 stars; one submission).

gnomAD v4.1: 2 of 1,613,656 alleles (0.00012%); highest among the groups gnomAD compares: East Asian, 0.0022%; no homozygotes.

Submission:

Labcorp Genetics (formerly Invitae), Labcorp
Classification: Uncertain significance. Last evaluated: 2025-04-17. Review status: criteria provided, single submitter. Criteria: Invitae Variant Classification Sherloc (09022015). Collection method: clinical testing. Allele origin: germline.
Comment: This sequence change replaces tyrosine, which is neutral and polar, with cysteine, which is neutral and slightly polar, at codon 264 of the BMP1 protein (p.Tyr264Cys). This variant is not present in population databases (gnomAD no frequency). This variant has not been reported in the literature in individuals affected with BMP1-related conditions. Invitae Evidence Modeling of protein sequence and biophysical properties (such as structural, functional, and spatial information, amino acid conservation, physicochemical variation, residue mobility, and thermodynamic stability) indicates that this missense variant is expected to disrupt BMP1 protein function with a positive predictive value of 80%. In summary, the available evidence is currently insufficient to determine the role of this variant in disease. Therefore, it has been classified as a Variant of Uncertain Significance.

NM_006129.5(BMP1):c.791A>G (p.Tyr264Cys)

Gene: BMP1 (bone morphogenetic protein 1; plus strand). Cytogenetic location: 8p21.3.
Variant type: single nucleotide variant.
Coding change: c.791A>G on transcript NM_006129.5 (MANE Select); coding-DNA position 791, A replaced by G.
Protein change: p.Tyr264Cys; replaces tyrosine 264 with cysteine.
Molecular consequence: missense variant. On other transcripts: non-coding transcript variant (2).
Genome position (GRCh38, 1-based): chr8:22,177,912, A>G. VCF-style: chr8-22177912-A-G. GRCh37 (hg19) VCF-style: chr8-22035425-A-G.
Other names: c.791A>G, p.Tyr264Cys (NM_001199.4); short protein forms Y264C.
Identifiers: ClinVar variation 4764460 (VCV004764460.1).